The following is an entry in ClinVar:

ClinVar aggregate classification (germline): Uncertain significance (1 of 4 stars; one submission).

Allele frequency attached by ClinVar (database versions not stated): gnomAD 0.00001; TOPMed 0.00002.
gnomAD v4.1: 1 of 1,613,996 alleles (0.000062%); highest among the groups gnomAD compares: African/African-American, 0.0013%; no homozygotes.

Submission:

Labcorp Genetics (formerly Invitae), Labcorp
Classification: Uncertain significance. Last evaluated: 2023-06-03. Review status: criteria provided, single submitter. Criteria: Invitae Variant Classification Sherloc (09022015). Collection method: clinical testing. Allele origin: germline.
Comment: In summary, the available evidence is currently insufficient to determine the role of this variant in disease. Therefore, it has been classified as a Variant of Uncertain Significance. Algorithms developed to predict the effect of missense changes on protein structure and function output the following: SIFT: "Not Available"; PolyPhen-2: "Benign"; Align-GVGD: "Not Available". The threonine amino acid residue is found in multiple mammalian species, which suggests that this missense change does not adversely affect protein function. This variant has not been reported in the literature in individuals affected with VCAN-related conditions. This variant is not present in population databases (gnomAD no frequency). This sequence change replaces lysine, which is basic and polar, with threonine, which is neutral and polar, at codon 2124 of the VCAN protein (p.Lys2124Thr).

NM_004385.5(VCAN):c.6371A>C (p.Lys2124Thr)

Genes: VCAN (versican; plus strand), VCAN-AS1 (VCAN antisense RNA 1; minus strand). Cytogenetic location: 5q14.3.
Variant type: single nucleotide variant.
Coding change: c.6371A>C on transcript NM_004385.5 (MANE Select); coding-DNA position 6371, A replaced by C.
Protein change: p.Lys2124Thr; replaces lysine 2124 with threonine.
Molecular consequence: missense variant. On other transcripts: intron variant (2).
Genome position (GRCh38, 1-based): chr5:83,539,374, A>C. VCF-style: chr5-83539374-A-C. GRCh37 (hg19) VCF-style: chr5-82835193-A-C.
Other names: c.3410A>C, p.Lys1137Thr (NM_001164097.2); c.4004-6163A>C (NM_001164098.2); c.1043-6163A>C (NM_001126336.3); short protein forms K2124T, K1137T.
Identifiers: ClinVar variation 2762270 (VCV002762270.3), dbSNP rs1285543256, ClinGen allele CA360312410.